The following is an entry in ClinVar:

NM_016222.4(DDX41):c.919A>T (p.Met307Leu)

Gene: DDX41 (DEAD-box helicase 41; minus strand). Cytogenetic location: 5q35.3.
Variant type: single nucleotide variant.
Coding change: c.919A>T on transcript NM_016222.4 (MANE Select); coding-DNA position 919, A replaced by T.
Protein change: p.Met307Leu; replaces methionine 307 with leucine.
Molecular consequence: missense variant.
Genome position (GRCh38, 1-based): chr5:177,514,717, T>A on the plus strand (A>T on the coding strand, the complement: DDX41 is on the minus strand). VCF-style: chr5-177514717-T-A. GRCh37 (hg19) VCF-style: chr5-176941718-T-A.
Other names: c.541A>T, p.Met181Leu (NM_001321732.2, NM_001321830.2); short protein forms M307L, M181L.
Identifiers: ClinVar variation 4617137 (VCV004617137.1).

ClinVar aggregate classification (germline): Uncertain significance (1 of 4 stars; one submission).

Conditions:
Inborn genetic diseases. Identifiers: MedGen C0950123, MeSH D030342.

gnomAD v4.1: 1 of 1,612,078 alleles (0.000062%); highest among the groups gnomAD compares: Non-Finnish European, 0.000085%; no homozygotes.

Submission:

Ambry Genetics
Classification: Uncertain significance for Inborn genetic diseases. Last evaluated: 2025-10-03. Review status: criteria provided, single submitter. Criteria: Ambry Variant Classification Scheme 2023. Collection method: clinical testing. Allele origin: germline.
Comment: The p.M307L variant (also known as c.919A>T), located in coding exon 9 of the DDX41 gene, results from an A to T substitution at nucleotide position 919. The methionine at codon 307 is replaced by leucine, an amino acid with highly similar properties. This amino acid position is highly conserved in available vertebrate species. In addition, this alteration is predicted to be tolerated by in silico analysis. Based on the available evidence, the clinical significance of this variant remains unclear.